The following is an entry in ClinVar:

ClinVar aggregate classification (germline): Uncertain significance (1 of 4 stars; one submission).

Conditions:
Pilarowski-Bjornsson syndrome. Also called: DEVELOPMENTAL DELAY AND SPEECH APRAXIA WITH OR WITHOUT SEIZURES. Identifiers: Orphanet 529965, MedGen C4540131, MONDO:0060568, OMIM 617682.

Submission:

Juno Genomics, Hangzhou Juno Genomics, Inc
Classification: Uncertain significance for Pilarowski-Bjornsson syndrome. Review status: criteria provided, single submitter. Criteria: ACMG Guidelines, 2015. Collection method: clinical testing. Allele origin: germline.
Comment: Absent from controls (or at extremely low frequency if recessive) in Genome Aggregation Database.;Missense variant in a gene that has a low rate of benign missense variation.

NM_001270.4(CHD1):c.544T>C (p.Tyr182His)

Gene: CHD1 (chromodomain helicase DNA binding protein 1; minus strand). Cytogenetic location: 5q21.1.
Variant type: single nucleotide variant.
Coding change: c.544T>C on transcript NM_001270.4 (MANE Select); coding-DNA position 544, T replaced by C.
Protein change: p.Tyr182His; replaces tyrosine 182 with histidine.
Molecular consequence: missense variant. On other transcripts: non-coding transcript variant (2).
Genome position (GRCh38, 1-based): chr5:98,901,229, A>G on the plus strand (T>C on the coding strand, the complement: CHD1 is on the minus strand). VCF-style: chr5-98901229-A-G. GRCh37 (hg19) VCF-style: chr5-98236933-A-G.
Other names: c.544T>C, p.Tyr182His (NM_001364113.3, NM_001376194.2); short protein forms Y182H.
Identifiers: ClinVar variation 5019195 (VCV005019195.2).